The following is an entry in ClinVar:

ClinVar aggregate classification (germline): Uncertain significance. Review status: criteria provided, multiple submitters, no conflicts (2 of 4 stars). 3 submissions from 3 submitters: Uncertain significance (3). Last evaluated 2024-03-21.

Conditions:
Bruck syndrome 2 (BRKS2). Also called: OSTEOGENESIS IMPERFECTA WITH CONGENITAL JOINT CONTRACTURES. Identifiers: Orphanet 2771, MedGen C1836602, MONDO:0012217, OMIM 609220.

Allele frequency attached by ClinVar (database versions not stated): ExAC 0.00001; gnomAD exomes 0.00001 and 0.00002; TOPMed 0.00001; ESP Exome Variant Server 0.00008.
gnomAD v4.1: 23 of 1,612,114 alleles (0.0014%); highest among the groups gnomAD compares: Middle Eastern, 0.017%; no homozygotes.

Submissions (3):

Women's Health and Genetics/Laboratory Corporation of America, LabCorp
Classification: Uncertain significance. Last evaluated: 2024-03-21. Review status: criteria provided, single submitter. Criteria: LabCorp Variant Classification Summary - May 2015. Collection method: clinical testing. Allele origin: germline.

GeneDx
Classification: Uncertain significance. Last evaluated: 2023-02-15. Review status: criteria provided, single submitter. Criteria: GeneDx Variant Classification Process June 2021. Collection method: clinical testing. Allele origin: germline. Affected: yes.
Comment: In silico analysis supports that this missense variant has a deleterious effect on protein structure/function; Has not been previously published as pathogenic or benign to our knowledge

Illumina Laboratory Services, Illumina
Classification: Uncertain significance for Bruck syndrome 2. Last evaluated: 2017-04-27. Review status: criteria provided, single submitter. Criteria: ICSL Variant Classification Criteria 13 December 2019. Collection method: clinical testing. Allele origin: germline.

NM_182943.3(PLOD2):c.1942C>T (p.Arg648Trp)

Gene: PLOD2 (procollagen-lysine,2-oxoglutarate 5-dioxygenase 2; minus strand). Cytogenetic location: 3q24.
Variant type: single nucleotide variant.
Coding change: c.1942C>T on transcript NM_182943.3 (MANE Select); coding-DNA position 1942, C replaced by T.
Protein change: p.Arg648Trp; replaces arginine 648 with tryptophan.
Molecular consequence: missense variant.
Genome position (GRCh38, 1-based): chr3:146,071,330, G>A on the plus strand (C>T on the coding strand, the complement: PLOD2 is on the minus strand). VCF-style: chr3-146071330-G-A. GRCh37 (hg19) VCF-style: chr3-145789117-G-A.
Other names: c.1942C>T (NM_182943.2); c.1879C>T, p.Arg627Trp (NM_000935.3); short protein forms R627W, R648W.
Identifiers: ClinVar variation 900158 (VCV000900158.7), dbSNP rs368177696, ClinGen allele CA2654726.